The following is an entry in ClinVar:

NM_002474.3(MYH11):c.768C>T (p.Ile256=)

Gene: MYH11 (myosin heavy chain 11; minus strand). Cytogenetic location: 16p13.11.
Variant type: single nucleotide variant.
Coding change: c.768C>T on transcript NM_002474.3 (MANE Select); coding-DNA position 768, C replaced by T.
Protein change: p.Ile256=; no amino-acid change (isoleucine 256 retained).
Molecular consequence: synonymous variant.
Genome position (GRCh38, 1-based): chr16:15,778,802, G>A on the plus strand (C>T on the coding strand, the complement: MYH11 is on the minus strand). VCF-style: chr16-15778802-G-A. GRCh37 (hg19) VCF-style: chr16-15872659-G-A.
Other names: c.768C>T (NM_002474.2); c.789C>T, p.Ile263= (NM_001040113.2, NM_001040114.2); c.768C>T, p.Ile256= (NM_022844.3).
Identifiers: ClinVar variation 700071 (VCV000700071.16), dbSNP rs756118392, ClinGen allele CA7922826.

ClinVar aggregate classification (germline): Likely benign. Review status: criteria provided, multiple submitters, no conflicts (2 of 4 stars). 5 submissions from 5 submitters: Likely benign (5). Last evaluated 2025-04-28.

Conditions:
Familial thoracic aortic aneurysm and aortic dissection (TAAD). Also called: Thoracic aortic aneurysms and dissections. Identifiers: Orphanet 91387, MedGen C4707243, MONDO:0019625.
Aortic aneurysm, familial thoracic 4 (AAT4). Also called: AORTIC ANEURYSM/AORTIC DISSECTION AND PATENT DUCTUS ARTERIOSUS. Identifiers: MedGen C1851504, MONDO:0007568, OMIM 132900.

Allele frequency attached by ClinVar (database versions not stated): gnomAD exomes below 0.00001 and 0.00001; ExAC 0.00001; gnomAD 0.00001; TOPMed 0.00002.
gnomAD v4.1: 11 of 1,613,968 alleles (0.00068%); highest among the groups gnomAD compares: South Asian, 0.0011%; no homozygotes.

Submissions (5):

Labcorp Genetics (formerly Invitae), Labcorp
Classification: Likely benign for Aortic aneurysm, familial thoracic 4. Last evaluated: 2025-04-28. Review status: criteria provided, single submitter. Criteria: Invitae Variant Classification Sherloc (09022015). Collection method: clinical testing. Allele origin: germline.

All of Us Research Program, National Institutes of Health
Classification: Likely benign for Familial thoracic aortic aneurysm and aortic dissection. Last evaluated: 2023-12-18. Review status: criteria provided, single submitter. Criteria: ACMG Guidelines, 2015. Collection method: clinical testing. Allele origin: germline. Inheritance: Autosomal dominant inheritance. Observed: 7 variant alleles, 7 heterozygotes.
Comment: This study involves interpretation of variants in research participants for the purpose of population health screening. Participant phenotype was not available at the time of variant classification. Additional details can be found in publication PMID: 35346344, PMCID: PMC8962531

ARUP Laboratories, Molecular Genetics and Genomics, ARUP Laboratories
Classification: Likely benign. Last evaluated: 2023-05-08. Review status: criteria provided, single submitter. Criteria: ARUP Molecular Germline Variant Investigation Process 2024. Collection method: clinical testing. Allele origin: germline.

Ambry Genetics
Classification: Likely benign for Familial thoracic aortic aneurysm and aortic dissection. Last evaluated: 2023-01-22. Review status: criteria provided, single submitter. Criteria: Ambry Variant Classification Scheme 2023. Collection method: clinical testing. Allele origin: germline.

Color Diagnostics, LLC DBA Color Health
Classification: Likely benign for Familial thoracic aortic aneurysm and aortic dissection. Last evaluated: 2020-02-09. Review status: criteria provided, single submitter. Criteria: ACMG Guidelines, 2015. Collection method: clinical testing. Allele origin: germline.